The following is an entry in ClinVar:

ClinVar aggregate classification (germline): Uncertain significance (1 of 4 stars; one submission).

Submission:

Labcorp Genetics (formerly Invitae), Labcorp
Classification: Uncertain significance. Last evaluated: 2021-12-31. Review status: criteria provided, single submitter. Criteria: Invitae Variant Classification Sherloc (09022015). Collection method: clinical testing. Allele origin: germline.
Comment: In summary, the available evidence is currently insufficient to determine the role of this variant in disease. Therefore, it has been classified as a Variant of Uncertain Significance. Advanced modeling of protein sequence and biophysical properties (such as structural, functional, and spatial information, amino acid conservation, physicochemical variation, residue mobility, and thermodynamic stability) performed at Invitae indicates that this missense variant is not expected to disrupt ADCY5 protein function. This variant has not been reported in the literature in individuals affected with ADCY5-related conditions. This variant is not present in population databases (gnomAD no frequency). This sequence change replaces lysine, which is basic and polar, with arginine, which is basic and polar, at codon 166 of the ADCY5 protein (p.Lys166Arg).

NM_183357.3(ADCY5):c.497A>G (p.Lys166Arg)

Gene: ADCY5 (adenylate cyclase 5; minus strand). Cytogenetic location: 3q21.1.
Variant type: single nucleotide variant.
Coding change: c.497A>G on transcript NM_183357.3 (MANE Select); coding-DNA position 497, A replaced by G.
Protein change: p.Lys166Arg; replaces lysine 166 with arginine.
Molecular consequence: missense variant.
Genome position (GRCh38, 1-based): chr3:123,448,049, T>C on the plus strand (A>G on the coding strand, the complement: ADCY5 is on the minus strand). VCF-style: chr3-123448049-T-C. GRCh37 (hg19) VCF-style: chr3-123166896-T-C.
Other names: c.497A>G, p.Lys166Arg (NM_001378259.1); short protein forms K166R.
Identifiers: ClinVar variation 1467515 (VCV001467515.6), dbSNP rs2107658802, ClinGen allele CA354357626.